The following is an entry in ClinVar:

NM_002474.3(MYH11):c.*4A>G

Genes: NDE1 (nudE neurodevelopment protein 1; plus strand), MYH11 (myosin heavy chain 11; minus strand). Cytogenetic location: 16p13.11.
Variant type: single nucleotide variant.
Coding change: c.*4A>G on transcript NM_002474.3 (MANE Select); 4 bases downstream of the stop codon, A replaced by G.
Molecular consequence: 3 prime UTR variant. On other transcripts: intron variant (2).
Genome position (GRCh38, 1-based): chr16:15,703,987, T>C on the plus strand (A>G on the coding strand, the complement: MYH11 is on the minus strand). VCF-style: chr16-15703987-T-C. GRCh37 (hg19) VCF-style: chr16-15797844-T-C.
Other names: c.*145A>G (NM_001040113.2, NM_022844.3); c.*4A>G (NM_001040114.2); c.947+7127T>C (NM_001143979.2, NM_017668.3).
Identifiers: ClinVar variation 928247 (VCV000928247.3), dbSNP rs376561783, ClinGen allele CA7921038.

ClinVar aggregate classification (germline): Uncertain significance (1 of 4 stars; one submission).

Conditions:
Familial thoracic aortic aneurysm and aortic dissection (TAAD). Also called: Thoracic aortic aneurysms and dissections. Identifiers: Orphanet 91387, MedGen C4707243, MONDO:0019625.

Allele frequency attached by ClinVar (database versions not stated): gnomAD exomes below 0.00001; ExAC 0.00001; gnomAD 0.00001; TOPMed 0.00001; ESP Exome Variant Server 0.00008.
gnomAD v4.1: 8 of 1,614,004 alleles (0.0005%); highest among the groups gnomAD compares: Non-Finnish European, 0.00068%; no homozygotes.

Submission:

Color Diagnostics, LLC DBA Color Health
Classification: Uncertain significance for Familial thoracic aortic aneurysm and aortic dissection. Last evaluated: 2019-07-28. Review status: criteria provided, single submitter. Criteria: ACMG Guidelines, 2015. Collection method: clinical testing. Allele origin: germline.
Comment: This variant is located in the 3' untranslated region of the MYH11 gene. To our knowledge, functional assays have not been performed for this variant nor has this variant been reported in individuals affected with cardiovascular disorders in the literature. This variant has not been identified in the general population by the Genome Aggregation Database (gnomAD). Available evidence is insufficient to determine the role of this variant in disease conclusively. Therefore, this variant is classified as a Variant of Uncertain Significance.